The following is an entry in ClinVar:

ClinVar aggregate classification (germline): Uncertain significance (1 of 4 stars; one submission).

Submission:

Labcorp Genetics (formerly Invitae), Labcorp
Classification: Uncertain significance. Last evaluated: 2024-04-30. Review status: criteria provided, single submitter. Criteria: Invitae Variant Classification Sherloc (09022015). Collection method: clinical testing. Allele origin: germline.
Comment: This sequence change replaces glycine, which is neutral and non-polar, with arginine, which is basic and polar, at codon 476 of the KRT10 protein (p.Gly476Arg). This variant is present in population databases (rs770653100, gnomAD 0.009%). This variant has not been reported in the literature in individuals affected with KRT10-related conditions. Advanced modeling of protein sequence and biophysical properties (such as structural, functional, and spatial information, amino acid conservation, physicochemical variation, residue mobility, and thermodynamic stability) performed at Invitae indicates that this missense variant is not expected to disrupt KRT10 protein function with a negative predictive value of 80%. In summary, the available evidence is currently insufficient to determine the role of this variant in disease. Therefore, it has been classified as a Variant of Uncertain Significance.

NM_000421.5(KRT10):c.1426G>A (p.Gly476Arg)

Gene: KRT10 (keratin 10; minus strand). Cytogenetic location: 17q21.2.
Variant type: single nucleotide variant.
Coding change: c.1426G>A on transcript NM_000421.5 (MANE Select); coding-DNA position 1426, G replaced by A.
Protein change: p.Gly476Arg; replaces glycine 476 with arginine.
Molecular consequence: missense variant.
Genome position (GRCh38, 1-based): chr17:40,819,109, C>T on the plus strand (G>A on the coding strand, the complement: KRT10 is on the minus strand). VCF-style: chr17-40819109-C-T. GRCh37 (hg19) VCF-style: chr17-38975361-C-T.
Other names: c.1426G>A, p.Gly476Arg (NM_001379366.1); short protein forms G476R.
Identifiers: ClinVar variation 3616672 (VCV003616672.2).